The following is an entry in ClinVar:

NM_138615.3(DHX30):c.3539G>A (p.Arg1180Gln)

Gene: DHX30 (DExH-box helicase 30; plus strand). Cytogenetic location: 3p21.31.
Variant type: single nucleotide variant.
Coding change: c.3539G>A on transcript NM_138615.3 (MANE Select); coding-DNA position 3539, G replaced by A.
Protein change: p.Arg1180Gln; replaces arginine 1180 with glutamine.
Molecular consequence: missense variant.
Genome position (GRCh38, 1-based): chr3:47,850,074, G>A. VCF-style: chr3-47850074-G-A. GRCh37 (hg19) VCF-style: chr3-47891564-G-A.
Other names: c.3455G>A, p.Arg1152Gln (NM_001330990.2); c.3422G>A, p.Arg1141Gln (NM_014966.4); short protein forms R1152Q, R1180Q, R1141Q.
Identifiers: ClinVar variation 2207887 (VCV002207887.3), dbSNP rs1286671771, ClinGen allele CA352596866.

ClinVar aggregate classification (germline): Uncertain significance. Review status: criteria provided, multiple submitters, no conflicts (2 of 4 stars). 2 submissions from 2 submitters: Uncertain significance (2). Last evaluated 2024-04-23.

Conditions:
Inborn genetic diseases. Identifiers: MedGen C0950123, MeSH D030342.

gnomAD v4.1: 7 of 1,597,206 alleles (0.00044%); highest among the groups gnomAD compares: Non-Finnish European, 0.00043%; no homozygotes.

Submissions (2):

GeneDx
Classification: Uncertain significance. Last evaluated: 2024-04-23. Review status: criteria provided, single submitter. Criteria: GeneDx Variant Classification Process June 2021. Collection method: clinical testing. Allele origin: germline. Affected: yes.
Comment: Not observed at significant frequency in large population cohorts (gnomAD); In silico analysis indicates that this missense variant does not alter protein structure/function; Has not been previously published as pathogenic or benign to our knowledge

Ambry Genetics
Classification: Uncertain significance for Inborn genetic diseases. Last evaluated: 2020-12-21. Review status: criteria provided, single submitter. Criteria: Ambry Variant Classification Scheme 2023. Collection method: clinical testing. Allele origin: germline.
Comment: The c.3539G>A (p.R1180Q) alteration is located in exon 22 (coding exon 20) of the DHX30 gene. This alteration results from a G to A substitution at nucleotide position 3539, causing the arginine (R) at amino acid position 1180 to be replaced by a glutamine (Q). The p.R1180Q alteration is predicted to be tolerated by in silico analysis. Based on insufficient or conflicting evidence, the clinical significance of this alteration remains unclear.